The following is an entry in ClinVar:

ClinVar aggregate classification (germline): Uncertain significance (1 of 4 stars; one submission).

Submission:

CeGaT Center for Human Genetics Tuebingen
Classification: Uncertain significance. Last evaluated: 2023-07-01. Review status: criteria provided, single submitter. Criteria: CeGaT Center For Human Genetics Tuebingen Variant Classification Criteria Version 2. Collection method: clinical testing. Allele origin: germline. Affected: yes. Observed: 1 variant allele.
Comment: LINGO1: PM2

NM_032808.7(LINGO1):c.1775A>C (p.Asn592Thr)

Gene: LINGO1 (leucine rich repeat and Ig domain containing 1; minus strand). Cytogenetic location: 15q24.3.
Variant type: single nucleotide variant.
Coding change: c.1775A>C on transcript NM_032808.7 (MANE Select); coding-DNA position 1775, A replaced by C.
Protein change: p.Asn592Thr; replaces asparagine 592 with threonine.
Molecular consequence: missense variant.
Genome position (GRCh38, 1-based): chr15:77,614,132, T>G on the plus strand (A>C on the coding strand, the complement: LINGO1 is on the minus strand). VCF-style: chr15-77614132-T-G. GRCh37 (hg19) VCF-style: chr15-77906474-T-G.
Other names: c.1757A>C, p.Asn586Thr (NM_001301186.2, NM_001301187.2, NM_001301189.2 and 8 more transcripts); short protein forms N586T, N592T.
Identifiers: ClinVar variation 2578746 (VCV002578746.25), dbSNP rs2549263945, ClinGen allele CA393534352.